The following is an entry in ClinVar:

NM_000023.4(SGCA):c.829C>T (p.Pro277Ser)

Gene: SGCA (sarcoglycan alpha; plus strand). Cytogenetic location: 17q21.33.
Variant type: single nucleotide variant.
Coding change: c.829C>T on transcript NM_000023.4 (MANE Select); coding-DNA position 829, C replaced by T.
Protein change: p.Pro277Ser; replaces proline 277 with serine.
Molecular consequence: missense variant. On other transcripts: intron variant (1).
Genome position (GRCh38, 1-based): chr17:50,170,224, C>T. VCF-style: chr17-50170224-C-T. GRCh37 (hg19) VCF-style: chr17-48247585-C-T.
Other names: c.585-416C>T (NM_001135697.3); short protein forms P277S.
Identifiers: ClinVar variation 1421844 (VCV001421844.8), dbSNP rs2144500932, ClinGen allele CA400182065.

ClinVar aggregate classification (germline): Uncertain significance (1 of 4 stars; one submission).

Conditions:
Autosomal recessive limb-girdle muscular dystrophy type 2D (LGMDR3). Also called: ADHALINOPATHY, PRIMARY; DUCHENNE-LIKE AUTOSOMAL RECESSIVE MUSCULAR DYSTROPHY, TYPE 2; MUSCULAR DYSTROPHY, LIMB-GIRDLE, AUTOSOMAL RECESSIVE 3. Identifiers: Orphanet 62, MedGen C2936332, MONDO:0011968, OMIM 608099. Disease mechanism: Affects gamma-sarcoglycan and also disrupts the integrity of the entire sarcoglycan complex..

Allele frequency attached by ClinVar (database versions not stated): gnomAD exomes below 0.00001.

Submission:

Labcorp Genetics (formerly Invitae), Labcorp
Classification: Uncertain significance for Autosomal recessive limb-girdle muscular dystrophy type 2D. Last evaluated: 2022-11-22. Review status: criteria provided, single submitter. Criteria: Invitae Variant Classification Sherloc (09022015). Collection method: clinical testing. Allele origin: germline.
Comment: In summary, the available evidence is currently insufficient to determine the role of this variant in disease. Therefore, it has been classified as a Variant of Uncertain Significance. Advanced modeling of protein sequence and biophysical properties (such as structural, functional, and spatial information, amino acid conservation, physicochemical variation, residue mobility, and thermodynamic stability) performed at Invitae indicates that this missense variant is expected to disrupt SGCA protein function. ClinVar contains an entry for this variant (Variation ID: 1421844). This missense change has been observed in individual(s) with Becker muscular dystrophy (PMID: 19835634). This variant is not present in population databases (gnomAD no frequency). This sequence change replaces proline, which is neutral and non-polar, with serine, which is neutral and polar, at codon 277 of the SGCA protein (p.Pro277Ser).

Literature cited by the submitters: PubMed 19835634.